The following is an entry in ClinVar:

ClinVar aggregate classification (germline): Uncertain significance (1 of 4 stars; one submission).

Allele frequency attached by ClinVar (database versions not stated): gnomAD 0.00001.
gnomAD v4.1: 4 of 1,613,834 alleles (0.00025%); highest among the groups gnomAD compares: Admixed American, 0.0017%; no homozygotes.

Submission:

Labcorp Genetics (formerly Invitae), Labcorp
Classification: Uncertain significance. Last evaluated: 2024-05-10. Review status: criteria provided, single submitter. Criteria: Invitae Variant Classification Sherloc (09022015). Collection method: clinical testing. Allele origin: germline.
Comment: This sequence change replaces glutamic acid, which is acidic and polar, with aspartic acid, which is acidic and polar, at codon 557 of the SETBP1 protein (p.Glu557Asp). This variant is present in population databases (no rsID available, gnomAD no frequency). This variant has not been reported in the literature in individuals affected with SETBP1-related conditions. ClinVar contains an entry for this variant (Variation ID: 2172845). Advanced modeling of protein sequence and biophysical properties (such as structural, functional, and spatial information, amino acid conservation, physicochemical variation, residue mobility, and thermodynamic stability) performed at Invitae indicates that this missense variant is not expected to disrupt SETBP1 protein function with a negative predictive value of 80%. In summary, the available evidence is currently insufficient to determine the role of this variant in disease. Therefore, it has been classified as a Variant of Uncertain Significance.

NM_015559.3(SETBP1):c.1671G>C (p.Glu557Asp)

Gene: SETBP1 (SET binding protein 1; plus strand). Cytogenetic location: 18q12.3.
Variant type: single nucleotide variant.
Coding change: c.1671G>C on transcript NM_015559.3 (MANE Select); coding-DNA position 1671, G replaced by C.
Protein change: p.Glu557Asp; replaces glutamic acid 557 with aspartic acid.
Molecular consequence: missense variant.
Genome position (GRCh38, 1-based): chr18:44,951,011, G>C. VCF-style: chr18-44951011-G-C. GRCh37 (hg19) VCF-style: chr18-42530976-G-C.
Other names: c.1671G>C, p.Glu557Asp (NM_001379141.1, NM_001379142.1, NM_001410862.1); short protein forms E557D.
Identifiers: ClinVar variation 2172845 (VCV002172845.4), dbSNP rs1487124891, ClinGen allele CA402319066.